The following is an entry in ClinVar:

NM_001843.4(CNTN1):c.1074del (p.Ile359fs)

Gene: CNTN1 (contactin 1; plus strand). Cytogenetic location: 12q12.
Variant type: Deletion.
Coding change: c.1074del on transcript NM_001843.4 (MANE Select); coding-DNA position 1074, one base deleted (C; older notation c.1074delC).
Protein change: p.Ile359fs; shifts the reading frame from isoleucine 359.
Molecular consequence: frameshift variant.
Genome position (GRCh38, 1-based): chr12:40,936,869, C deleted; the last of 3 consecutive C bases (chr12:40,936,867-40,936,869); deleting any one gives the same sequence. VCF-style (leftmost placement, unchanged base first): chr12-40936866-GC-G. GRCh37 (hg19) VCF-style: chr12-41330668-GC-G.
Other names: c.1074del, p.Ile359fs (NM_001256063.2, NM_001256064.2); c.1041del, p.Ile348fs (NM_175038.2); short protein forms I348fs, I359fs.
Identifiers: ClinVar variation 655024 (VCV000655024.7), dbSNP rs1592283787, ClinGen allele CA915948256.
Genomic context (GRCh38, chr12:40,936,866, plus strand): 5'-CAATGACACAGAGGTGGACATAGGCAGTGATCTCTACTGGCCTTGTGTGGCCACAGGAAA[GC>G]CCATCCCTACAATCCGATGGTTGAAAAATGGATATGCGGTATGTATGTTCAAGTGCTTTG-3'

ClinVar aggregate classification (germline): Pathogenic (1 of 4 stars; one submission).

Conditions:
Compton-North congenital myopathy (CMYO12). Identifiers: Orphanet 210163, MedGen C2675527, MONDO:0012929, OMIM 612540.

Submission:

Labcorp Genetics (formerly Invitae), Labcorp
Classification: Pathogenic for Compton-North congenital myopathy. Last evaluated: 2018-10-02. Review status: criteria provided, single submitter. Criteria: Invitae Variant Classification Sherloc (09022015). Collection method: clinical testing. Allele origin: germline.
Comment: This variant has not been reported in the literature in individuals with CNTN1-related disease. This sequence change creates a premature translational stop signal (p.Ile359Serfs*7) in the CNTN1 gene. It is expected to result in an absent or disrupted protein product. This variant is not present in population databases (ExAC no frequency). Loss-of-function variants in CNTN1 are known to be pathogenic (PMID: 19026398, 22242131). For these reasons, this variant has been classified as Pathogenic.

Literature cited by the submitters: PubMed 19026398; PubMed 22242131.